The following is an entry in ClinVar:

ClinVar aggregate classification (germline): Likely benign. Review status: criteria provided, multiple submitters, no conflicts (2 of 4 stars). 3 submissions from 3 submitters: Likely benign (3). Last evaluated 2026-08-05.

Conditions:
SLC4A11-related disorder. Also called: SLC4A11-related condition.

Allele frequency attached by ClinVar (database versions not stated): ExAC 0.00013; ESP Exome Variant Server 0.00031; TOPMed 0.00044; gnomAD 0.00050; 1000 Genomes Project 0.00080; 1000 Genomes Project 30x 0.00109.
gnomAD v4.1: 155 of 1,612,572 alleles (0.0096%); highest among the groups gnomAD compares: African/African-American, 0.18%; no homozygotes.

Submissions (3):

PreventionGenetics, part of Exact Sciences
Classification: Likely benign for SLC4A11-related condition. Last evaluated: 2026-08-05. Review status: criteria provided, single submitter. Criteria: ACMG Guidelines, 2015. Collection method: clinical testing. Allele origin: germline.
Comment: This variant is classified as likely benign based on ACMG/AMP sequence variant interpretation guidelines (Richards et al. 2015 PMID: 25741868, with internal and published modifications).

Labcorp Genetics (formerly Invitae), Labcorp
Classification: Likely benign. Last evaluated: 2026-01-28. Review status: criteria provided, single submitter. Criteria: Invitae Variant Classification Sherloc (09022015). Collection method: clinical testing. Allele origin: germline.

Women's Health and Genetics/Laboratory Corporation of America, LabCorp
Classification: Likely benign. Last evaluated: 2022-08-23. Review status: criteria provided, single submitter. Criteria: LabCorp Variant Classification Summary - May 2015. Collection method: clinical testing. Allele origin: germline.
Comment: Variant summary: SLC4A11 c.1723G>A (p.Val575Met) results in a conservative amino acid change located in the Bicarbonate transporter-like, transmembrane domain (IPR011531) of the encoded protein sequence. It lies at the N terminus of TM6, where it makes the closest contact of any residue in the dimer interface, and it may also impact the positioning of extracellular loop 3 (Badior_2016). Four of five in-silico tools predict a benign effect of the variant on protein function. The variant allele was found at a frequency of 0.00018 in 279758 control chromosomes, predominantly at a frequency of 0.0018 within the African or African-American subpopulation in the gnomAD database. The observed variant frequency within African or African-American control individuals in the gnomAD database is approximately two fold of the estimated maximal expected allele frequency for a pathogenic variant in SLC4A11 causing Corneal Dystrophy And Perceptive Deafness phenotype (0.0011), strongly suggesting that the variant is a benign polymorphism found primarily in populations of African or African-American origin. c.1723G>A has been reported in the literature in at least one individual affected with Fuchs corneal dystrophy (Riazuddin_2010). The report does not provide unequivocal conclusions about association of the variant with Corneal Dystrophy And Perceptive Deafness. Functional studies report this variant processed similar to the WT on immunoblot analyses but exhibited partial loss of localization at the membrane (Riazuddin_2010, Malhotra_2020). However, another functional study showed this variant results in no effect on cell surface abundance and cell surface SLC4A11 localization (Alka_2018). No clinical diagnostic laboratories have submitted clinical-significance assessments for this variant to ClinVar after 2014. Based on the evidence outlined above, the variant was classified as likely benign.

Literature cited by the submitters: PubMed 29327391 (cited by Women's Health and Genetics/Laboratory Corporation of America, LabCorp); PubMed 23585771 (cited by Women's Health and Genetics/Laboratory Corporation of America, LabCorp); PubMed 20848555 (cited by Women's Health and Genetics/Laboratory Corporation of America, LabCorp); PubMed 27925686 (cited by Women's Health and Genetics/Laboratory Corporation of America, LabCorp); PubMed 31691803 (cited by Women's Health and Genetics/Laboratory Corporation of America, LabCorp).

NM_001174089.2(SLC4A11):c.1675G>A (p.Val559Met)

Gene: SLC4A11 (solute carrier family 4 member 11; minus strand). Cytogenetic location: 20p13.
Variant type: single nucleotide variant.
Coding change: c.1675G>A on transcript NM_001174089.2 (MANE Select); coding-DNA position 1675, G replaced by A.
Protein change: p.Val559Met; replaces valine 559 with methionine.
Molecular consequence: missense variant. On other transcripts: non-coding transcript variant (3).
Genome position (GRCh38, 1-based): chr20:3,229,591, C>T on the plus strand (G>A on the coding strand, the complement: SLC4A11 is on the minus strand). VCF-style: chr20-3229591-C-T. GRCh37 (hg19) VCF-style: chr20-3210237-C-T.
Other names: c.1804G>A, p.Val602Met (NM_001174090.2); c.1561G>A, p.Val521Met (NM_001363745.2); c.1618G>A, p.Val540Met (NM_001400277.1, NM_001400278.1, NM_001400279.1); c.1690G>A, p.Val564Met (NM_001400280.1); c.1723G>A, p.Val575Met (NM_032034.4); short protein forms V521M, V540M, V559M, V564M, V575M, V602M.
Identifiers: ClinVar variation 1705182 (VCV001705182.7), dbSNP rs144734280, ClinGen allele CA9741761.
Genomic context (GRCh38, chr20:3,229,591, plus strand): 5'-TGAATTGGTAGAGGGTGTAGCCCAGCCAGAGCGTGCCCAGCATGATGAGGAGGCTGAGCA[C>T]GGCGGTCGCCTGGCCTGAGTGTGTGGCCGAGGGCAGCTCCGTGGGGCTGGCGAGGAAGCT-3'
Protein context (NP_001167560.1, residues 549-569): SATHSGQATA[Val559Met]LSLLIMLGTL